The following is an entry in ClinVar:

NM_002528.7(NTHL1):c.737A>C (p.Lys246Thr)

Gene: NTHL1 (nth like DNA glycosylase 1; minus strand). Cytogenetic location: 16p13.3.
Variant type: single nucleotide variant.
Coding change: c.737A>C on transcript NM_002528.7 (MANE Select); coding-DNA position 737, A replaced by C.
Protein change: p.Lys246Thr; replaces lysine 246 with threonine.
Molecular consequence: missense variant.
Genome position (GRCh38, 1-based): chr16:2,040,187, T>G on the plus strand (A>C on the coding strand, the complement: NTHL1 is on the minus strand). VCF-style: chr16-2040187-T-G. GRCh37 (hg19) VCF-style: chr16-2090188-T-G.
Other names: c.566A>C, p.Lys189Thr (NM_001318193.2); c.407A>C, p.Lys136Thr (NM_001318194.2); short protein forms K136T, K189T, K246T.
Identifiers: ClinVar variation 2586091 (VCV002586091.2), dbSNP rs879049826, ClinGen allele CA276761801.

ClinVar aggregate classification (germline): Uncertain significance (1 of 4 stars; one submission).

Conditions:
Hereditary cancer-predisposing syndrome. Also called: Hereditary neoplastic syndrome; Tumor predisposition; Hereditary Cancer Syndrome; Neoplastic Syndromes, Hereditary. Identifiers: Orphanet 140162, MedGen C0027672, MeSH D009386, MONDO:0015356.

Allele frequency attached by ClinVar (database versions not stated): gnomAD exomes 0.00001.

Submission:

Ambry Genetics
Classification: Uncertain significance for Hereditary cancer-predisposing syndrome. Last evaluated: 2023-06-22. Review status: criteria provided, single submitter. Criteria: Ambry Variant Classification Scheme 2023. Collection method: clinical testing. Allele origin: germline.
Comment: The p.K254T variant (also known as c.761A>C), located in coding exon 5 of the NTHL1 gene, results from an A to C substitution at nucleotide position 761. The lysine at codon 254 is replaced by threonine, an amino acid with similar properties. This amino acid position is conserved. In addition, this alteration is predicted to be tolerated by in silico analysis. Since supporting evidence is limited at this time, the clinical significance of this alteration remains unclear.